The following is an entry in ClinVar:

NM_006466.4(POLR3F):c.932C>A (p.Thr311Lys)

Gene: POLR3F (RNA polymerase III subunit F; plus strand). Cytogenetic location: 20p11.23.
Variant type: single nucleotide variant.
Coding change: c.932C>A on transcript NM_006466.4 (MANE Select); coding-DNA position 932, C replaced by A.
Protein change: p.Thr311Lys; replaces threonine 311 with lysine.
Molecular consequence: missense variant. On other transcripts: non-coding transcript variant (1).
Genome position (GRCh38, 1-based): chr20:18,483,539, C>A. VCF-style: chr20-18483539-C-A. GRCh37 (hg19) VCF-style: chr20-18464183-C-A.
Other names: c.809C>A, p.Thr270Lys (NM_001282526.2); c.788C>A, p.Thr263Lys (NM_001410821.1); short protein forms T263K, T270K, T311K.
Identifiers: ClinVar variation 4281572 (VCV004281572.7).

ClinVar aggregate classification (germline): Uncertain significance (1 of 4 stars; one submission).

Submission:

CeGaT Center for Human Genetics Tuebingen
Classification: Uncertain significance. Last evaluated: 2025-10-01. Review status: criteria provided, single submitter. Criteria: CeGaT Center For Human Genetics Tuebingen Variant Classification Criteria Version 2. Collection method: clinical testing. Allele origin: germline. Affected: yes. Observed: 1 variant allele.
Comment: POLR3F: PM2